The following is an entry in ClinVar:

ClinVar aggregate classification (germline): Likely benign. Review status: criteria provided, single submitter (1 of 4 stars). 2 submissions from 2 submitters: Likely benign (1). 1 of the submissions does not count toward it. Last evaluated 2022-10-18.

Conditions:
REST-related disorder. Also called: REST-related condition.

Allele frequency attached by ClinVar (database versions not stated): ExAC 0.00001.

Submissions (2):

Labcorp Genetics (formerly Invitae), Labcorp
Classification: Likely benign. Last evaluated: 2022-10-18. Review status: criteria provided, single submitter. Criteria: Invitae Variant Classification Sherloc (09022015). Collection method: clinical testing. Allele origin: germline.

PreventionGenetics, part of Exact Sciences
Classification: Likely benign for REST-related condition. Last evaluated: 2020-08-26. Review status: no assertion criteria provided. Collection method: clinical testing. Allele origin: germline. Not counted in ClinVar's aggregate classification.
Comment: This variant is classified as likely benign based on ACMG/AMP sequence variant interpretation guidelines (Richards et al. 2015 PMID: 25741868, with internal and published modifications).

NM_005612.5(REST):c.1458C>T (p.Ile486=)

Gene: REST (RE1 silencing transcription factor; plus strand). Cytogenetic location: 4q12.
Variant type: single nucleotide variant.
Coding change: c.1458C>T on transcript NM_005612.5 (MANE Select); coding-DNA position 1458, C replaced by T.
Protein change: p.Ile486=; no amino-acid change (isoleucine 486 retained).
Molecular consequence: synonymous variant.
Genome position (GRCh38, 1-based): chr4:56,930,316, C>T. VCF-style: chr4-56930316-C-T. GRCh37 (hg19) VCF-style: chr4-57796482-C-T.
Other names: c.1458C>T, p.Ile486= (NM_001193508.2, NM_001363453.3).
Identifiers: ClinVar variation 2035957 (VCV002035957.6), dbSNP rs766966970, ClinGen allele CA2932271.
Genomic context (GRCh38, chr4:56,930,316, plus strand): 5'-CAAAGCAGAGAAAAGAGATGTCTCAAAAGAGAAAAAGCCTTCTAATAATGTGTCAGTGAT[C>T]CAGGTGACTACCAGAACTCGAAAATCAGTAACAGAGGTGAAAGAGATGGATGTGCATACA-3'
Protein context (NP_005603.3, residues 476-496): EKKPSNNVSV[Ile486=]QVTTRTRKSV